The following is an entry in ClinVar:

NM_015272.5(RPGRIP1L):c.223A>G (p.Ile75Val)

Gene: RPGRIP1L (RPGRIP1 like; minus strand). Cytogenetic location: 16q12.2.
Variant type: single nucleotide variant.
Coding change: c.223A>G on transcript NM_015272.5 (MANE Select); coding-DNA position 223, A replaced by G.
Protein change: p.Ile75Val; replaces isoleucine 75 with valine.
Molecular consequence: missense variant.
Genome position (GRCh38, 1-based): chr16:53,696,158, T>C on the plus strand (A>G on the coding strand, the complement: RPGRIP1L is on the minus strand). VCF-style: chr16-53696158-T-C. GRCh37 (hg19) VCF-style: chr16-53730070-T-C.
Other names: c.223A>G, p.Ile75Val (NM_001328423.2, NM_001330538.2, NM_001127897.4 and 2 more transcripts); short protein forms I75V.
Identifiers: ClinVar variation 1418399 (VCV001418399.6), dbSNP rs2151379062, ClinGen allele CA395925725.

ClinVar aggregate classification (germline): Uncertain significance (1 of 4 stars; one submission).

Conditions:
Joubert syndrome. Also called: CEREBELLOPARENCHYMAL DISORDER IV; JOUBERT-BOLTSHAUSER SYNDROME; Familial aplasia of the vermis. Identifiers: Orphanet 475, MedGen C5979921, MONDO:0018772.
Meckel-Gruber syndrome. Also called: DYSENCEPHALIA SPLANCHNOCYSTICA; GRUBER SYNDROME; Dysencephalia splachnocystica. Identifiers: Orphanet 564, MedGen C0265215, MONDO:0018921.

Submission:

Labcorp Genetics (formerly Invitae), Labcorp
Classification: Uncertain significance for Joubert syndrome; Meckel-Gruber syndrome. Last evaluated: 2021-11-02. Review status: criteria provided, single submitter. Criteria: Invitae Variant Classification Sherloc (09022015). Collection method: clinical testing. Allele origin: germline.
Comment: This variant has not been reported in the literature in individuals affected with RPGRIP1L-related conditions. This sequence change replaces isoleucine, which is neutral and non-polar, with valine, which is neutral and non-polar, at codon 75 of the RPGRIP1L protein (p.Ile75Val). This variant is not present in population databases (gnomAD no frequency). Algorithms developed to predict the effect of missense changes on protein structure and function (SIFT, PolyPhen-2, Align-GVGD) all suggest that this variant is likely to be disruptive. In summary, the available evidence is currently insufficient to determine the role of this variant in disease. Therefore, it has been classified as a Variant of Uncertain Significance.